The following is an entry in ClinVar:

ClinVar aggregate classification (germline): Uncertain significance (1 of 4 stars; one submission).

Submission:

GeneDx
Classification: Uncertain significance. Last evaluated: 2024-05-11. Review status: criteria provided, single submitter. Criteria: GeneDx Variant Classification Process June 2021. Collection method: clinical testing. Allele origin: germline. Affected: yes.
Comment: Not observed at significant frequency in large population cohorts (gnomAD); In silico analysis supports that this missense variant has a deleterious effect on protein structure/function; Has not been previously published as pathogenic or benign to our knowledge

NM_006885.4(ZFHX3):c.2077A>G (p.Lys693Glu)

Gene: ZFHX3 (zinc finger homeobox 3; minus strand). Cytogenetic location: 16q22.3.
Variant type: single nucleotide variant.
Coding change: c.2077A>G on transcript NM_006885.4 (MANE Select); coding-DNA position 2077, A replaced by G.
Protein change: p.Lys693Glu; replaces lysine 693 with glutamic acid.
Molecular consequence: missense variant. On other transcripts: intron variant (1).
Genome position (GRCh38, 1-based): chr16:72,958,069, T>C on the plus strand (A>G on the coding strand, the complement: ZFHX3 is on the minus strand). VCF-style: chr16-72958069-T-C. GRCh37 (hg19) VCF-style: chr16-72991968-T-C.
Other names: c.2077A>G, p.Lys693Glu (NM_001386735.1); c.-23-7104A>G (NM_001164766.2); short protein forms K693E.
Identifiers: ClinVar variation 3375505 (VCV003375505.1).